The following is an entry in ClinVar:

ClinVar aggregate classification (germline): Uncertain significance (1 of 4 stars; one submission).

Conditions:
3-methylcrotonyl-CoA carboxylase 1 deficiency (MCC1D). Also called: MCCD TYPE 1; METHYLCROTONYLGLYCINURIA TYPE I; MCC 1 deficiency; 3 Alpha methylcrotonylglycinuria 1. Identifiers: Orphanet 6, MedGen CN028786, MONDO:0008861, OMIM 210200.

Allele frequency attached by ClinVar (database versions not stated): TOPMed below 0.00001; gnomAD 0.00001.
gnomAD v4.1: 1 of 1,614,080 alleles (0.000062%); highest among the groups gnomAD compares: Admixed American, 0.0017%; no homozygotes.

Submission:

Labcorp Genetics (formerly Invitae), Labcorp
Classification: Uncertain significance for 3-methylcrotonyl-CoA carboxylase 1 deficiency. Last evaluated: 2020-03-01. Review status: criteria provided, single submitter. Criteria: Invitae Variant Classification Sherloc (09022015). Collection method: clinical testing. Allele origin: germline.
Comment: Algorithms developed to predict the effect of missense changes on protein structure and function are either unavailable or do not agree on the potential impact of this missense change (SIFT: "Deleterious"; PolyPhen-2: "Probably Damaging"; Align-GVGD: "Class C0"). In summary, the available evidence is currently insufficient to determine the role of this variant in disease. Therefore, it has been classified as a Variant of Uncertain Significance. This variant has not been reported in the literature in individuals with MCCC1-related conditions. This sequence change replaces lysine with asparagine at codon 237 of the MCCC1 protein (p.Lys237Asn). The lysine residue is highly conserved and there is a moderate physicochemical difference between lysine and asparagine. This variant is not present in population databases (ExAC no frequency).

NM_020166.5(MCCC1):c.711G>T (p.Lys237Asn)

Gene: MCCC1 (methylcrotonyl-CoA carboxylase subunit 1; minus strand). Cytogenetic location: 3q27.1.
Variant type: single nucleotide variant.
Coding change: c.711G>T on transcript NM_020166.5 (MANE Select); coding-DNA position 711, G replaced by T.
Protein change: p.Lys237Asn; replaces lysine 237 with asparagine.
Molecular consequence: missense variant. On other transcripts: non-coding transcript variant (2).
Genome position (GRCh38, 1-based): chr3:183,071,049, C>A on the plus strand (G>T on the coding strand, the complement: MCCC1 is on the minus strand). VCF-style: chr3-183071049-C-A. GRCh37 (hg19) VCF-style: chr3-182788837-C-A.
Other names: c.360G>T, p.Lys120Asn (NM_001293273.2); c.384G>T, p.Lys128Asn (NM_001363880.1); short protein forms K120N, K128N, K237N.
Identifiers: ClinVar variation 1012112 (VCV001012112.7), dbSNP rs1716633366, ClinGen allele CA355329230.